The following is an entry in ClinVar:

ClinVar aggregate classification (germline): Uncertain significance (1 of 4 stars; one submission).

Submission:

GeneDx
Classification: Uncertain significance. Last evaluated: 2025-06-13. Review status: criteria provided, single submitter. Criteria: GeneDx Variant Classification Process June 2021. Collection method: clinical testing. Allele origin: germline. Affected: yes.
Comment: Not observed at significant frequency in large population cohorts (gnomAD); In silico analysis suggests that this missense variant does not alter protein structure/function; Has not been previously published as pathogenic or benign to our knowledge; This variant is associated with the following publications: (PMID: 21520338, 31554319, 9590290)

NM_005422.4(TECTA):c.701A>C (p.Gln234Pro)

Genes: TBCEL-TECTA (TBCEL-TECTA readthrough; plus strand), TECTA (tectorin alpha; plus strand). Cytogenetic location: 11q23.3.
Variant type: single nucleotide variant.
Coding change: c.701A>C on transcript NM_005422.4 (MANE Select); coding-DNA position 701, A replaced by C.
Protein change: p.Gln234Pro; replaces glutamine 234 with proline.
Molecular consequence: missense variant.
Genome position (GRCh38, 1-based): chr11:121,113,629, A>C. VCF-style: chr11-121113629-A-C. GRCh37 (hg19) VCF-style: chr11-120984338-A-C.
Other names: c.1658A>C, p.Gln553Pro (NM_001378761.1); short protein forms Q234P, Q553P.
Identifiers: ClinVar variation 4537524 (VCV004537524.1).